The following is an entry in ClinVar:

ClinVar aggregate classification (germline): Benign (1 of 4 stars; one submission).

Conditions:
Von Hippel-Lindau syndrome (VHLS). Also called: Von Hippel-Lindau; von Hippel–Lindau syndrome; VHL syndrome. Identifiers: Orphanet 892, MedGen C0019562, MONDO:0008667, OMIM 193300. Disease mechanism: loss of function.

Submission:

Myriad Genetics, Inc.
Classification: Benign for Von Hippel-Lindau syndrome. Last evaluated: 2025-06-12. Review status: criteria provided, single submitter. Criteria: Myriad Autosomal Dominant, Autosomal Recessive and X-Linked Classification Criteria (2023). Collection method: clinical testing. Allele origin: unknown.
Comment: This variant is considered benign. This variant is a silent/synonymous amino acid change and it is not expected to impact splicing.

NM_000551.4(VHL):c.403T>C (p.Leu135=)

Genes: VHL (von Hippel-Lindau tumor suppressor; plus strand), LOC107303340 (3p25 von Hippel-Lindau tumor suppressor, E3 ubiquitin protein ligase Alu-mediated recombination region; plus strand). Cytogenetic location: 3p25.3.
Variant type: single nucleotide variant.
Coding change: c.403T>C on transcript NM_000551.4 (MANE Select); coding-DNA position 403, T replaced by C.
Protein change: p.Leu135=; no amino-acid change (leucine 135 retained).
Molecular consequence: synonymous variant. On other transcripts: non-coding transcript variant (1), intron variant (2).
Genome position (GRCh38, 1-based): chr3:10,146,576, T>C. VCF-style: chr3-10146576-T-C. GRCh37 (hg19) VCF-style: chr3-10188260-T-C.
Other names: c.*18-3211T>C (NM_001354723.2); c.341-3211T>C (NM_198156.3).
Identifiers: ClinVar variation 4071250 (VCV004071250.1).
Genomic context (GRCh38, chr3:10,146,576, plus strand): 5'-CACCTTTGGCTCTTCAGAGATGCAGGGACACACGATGGGCTTCTGGTTAACCAAACTGAA[T>C]TATTTGTGCCATCTCTCAATGTTGACGGACAGCCTATTTTTGCCAATATCACACTGCCAG-3'
Protein context (NP_000542.1, residues 125-145): HDGLLVNQTE[Leu135=]FVPSLNVDGQ